The following is an entry in ClinVar:

ClinVar aggregate classification (germline): Benign/Likely benign. Review status: criteria provided, multiple submitters, no conflicts (2 of 4 stars). 5 submissions from 5 submitters: Benign (4); Likely benign (1). Last evaluated 2026-02-04.

Allele frequency attached by ClinVar (database versions not stated): gnomAD exomes 0.31524 and 0.35914; ExAC 0.35736; ESP Exome Variant Server 0.38013; gnomAD 0.40085 and 0.40715; 1000 Genomes Project 0.40256; 1000 Genomes Project 30x 0.41115; TOPMed 0.41758.
gnomAD v4.1: 519,717 of 1,606,088 alleles (32%); highest among the groups gnomAD compares: African/African-American, 59%; 88,904 homozygotes.

Submissions (5):

Labcorp Genetics (formerly Invitae), Labcorp
Classification: Benign. Last evaluated: 2026-02-04. Review status: criteria provided, single submitter. Criteria: Invitae Variant Classification Sherloc (09022015). Collection method: clinical testing. Allele origin: germline.

Blueprint Genetics
Classification: Likely benign. Last evaluated: 2024-11-26. Review status: criteria provided, single submitter. Criteria: ACMG Guidelines, 2015. Collection method: clinical testing. Allele origin: germline.

Unidad de Genómica Garrahan, Hospital de Pediatría Garrahan
Classification: Benign. Last evaluated: 2023-11-12. Review status: criteria provided, single submitter. Criteria: ACMG Guidelines, 2015. Collection method: clinical testing. Allele origin: germline. Affected: no. Observed: 65 variant alleles.
Comment: This variant is classified as Benign based on local population frequency. This variant was detected in 68% of patients studied by a panel of primary immunodeficiencies. Number of patients: 65. Only high quality variants are reported.

Mayo Clinic Laboratories, Mayo Clinic
Classification: Benign. Last evaluated: 2022-09-06. Review status: criteria provided, single submitter. Criteria: ACMG Guidelines, 2015. Collection method: clinical testing. Allele origin: germline. Observed: 311 variant alleles.

Breakthrough Genomics
Classification: Benign. Review status: criteria provided, single submitter. Criteria: ACMG Guidelines, 2015. Collection method: not provided. Allele origin: germline. Inheritance: Autosomal dominant inheritance. Affected: yes.

NM_002227.4(JAK1):c.1459-7C>T

Gene: JAK1 (Janus kinase 1; minus strand). Cytogenetic location: 1p31.3.
Variant type: single nucleotide variant.
Coding change: c.1459-7C>T on transcript NM_002227.4 (MANE Select); 7 bases into the intron before coding-DNA position 1459, C replaced by T.
Molecular consequence: intron variant.
Genome position (GRCh38, 1-based): chr1:64,855,705, G>A on the plus strand (C>T on the coding strand, the complement: JAK1 is on the minus strand). VCF-style: chr1-64855705-G-A. GRCh37 (hg19) VCF-style: chr1-65321388-G-A.
Other names: p.?; c.1459-7C>T (NM_001321852.2, NM_001321854.2, NM_001321853.2 and 3 more transcripts); c.1459-10C>T (NM_001321857.2).
Identifiers: ClinVar variation 1169785 (VCV001169785.14), dbSNP rs310229, ClinGen allele CA892916.